The following is an entry in ClinVar:

NM_003073.5(SMARCB1):c.54G>C (p.Gln18His)

Gene: SMARCB1 (SWI/SNF related BAF chromatin remodeling complex subunit B1; plus strand). Cytogenetic location: 22q11.23.
Variant type: single nucleotide variant.
Coding change: c.54G>C on transcript NM_003073.5 (MANE Select); coding-DNA position 54, G replaced by C.
Protein change: p.Gln18His; replaces glutamine 18 with histidine.
Molecular consequence: missense variant.
Genome position (GRCh38, 1-based): chr22:23,787,223, G>C. VCF-style: chr22-23787223-G-C. GRCh37 (hg19) VCF-style: chr22-24129410-G-C.
Other names: c.54G>C, p.Gln18His (NM_001007468.3, NM_001317946.2, NM_001362877.2); short protein forms Q18H.
Identifiers: ClinVar variation 1511951 (VCV001511951.8), dbSNP rs1220062951, ClinGen allele CA410930745.

ClinVar aggregate classification (germline): Uncertain significance (1 of 4 stars; one submission).

Submission:

Labcorp Genetics (formerly Invitae), Labcorp
Classification: Uncertain significance. Last evaluated: 2022-11-15. Review status: criteria provided, single submitter. Criteria: Invitae Variant Classification Sherloc (09022015). Collection method: clinical testing. Allele origin: germline.
Comment: This variant has not been reported in the literature in individuals affected with SMARCB1-related conditions. In summary, the available evidence is currently insufficient to determine the role of this variant in disease. Therefore, it has been classified as a Variant of Uncertain Significance. Algorithms developed to predict the effect of missense changes on protein structure and function are either unavailable or do not agree on the potential impact of this missense change (SIFT: "Deleterious"; PolyPhen-2: "Benign"; Align-GVGD: "Class C0"). ClinVar contains an entry for this variant (Variation ID: 1511951). This variant is not present in population databases (gnomAD no frequency). This sequence change replaces glutamine, which is neutral and polar, with histidine, which is basic and polar, at codon 18 of the SMARCB1 protein (p.Gln18His).